The following is an entry in ClinVar:

NM_000142.5(FGFR3):c.2421A>T (p.Ter807Cys)

Gene: FGFR3 (fibroblast growth factor receptor 3; plus strand). Cytogenetic location: 4p16.3.
Variant type: single nucleotide variant.
Coding change: c.2421A>T on transcript NM_000142.5 (MANE Select); coding-DNA position 2421, A replaced by T.
Protein change: p.Ter807Cys.
Molecular consequence: stop lost. On other transcripts: nonsense (1), non-coding transcript variant (1).
Genome position (GRCh38, 1-based): chr4:1,807,262, A>T. VCF-style: chr4-1807262-A-T. GRCh37 (hg19) VCF-style: chr4-1808989-A-T.
Other names: *807C; *809C; *695C; *808C; c.2427A>T, p.Ter809Cys (NM_001163213.2); c.2424A>T, p.Ter808Cys (NM_001354809.2); c.2353A>T, p.Lys785Ter (NM_001354810.2); c.2085A>T, p.Ter695Cys (NM_022965.4); and 1 more; short protein forms K785*.
Identifiers: ClinVar variation 16336 (VCV000016336.6), dbSNP rs121913103, ClinGen allele CA341407.
Genomic context (GRCh38, chr4:1,807,262, plus strand): 5'-CGTGTTTGCCCACGACCTGCTGCCCCCGGCCCCACCCAGCAGTGGGGGCTCGCGGACGTG[A>T]AGGGCCACTGGTCCCCAACAATGTGAGGGGTCCCTAGCAGCCCACCCTGCTGCTGGTGCA-3'

ClinVar aggregate classification (germline): Pathogenic. Review status: criteria provided, multiple submitters, no conflicts (2 of 4 stars). 6 submissions from 6 submitters: Pathogenic (3). 3 of the submissions do not count toward it. Last evaluated 2026-06-23.

Conditions:
FGFR3-related disorder. Also called: FGFR3-related disorders.
FGFR3-related chondrodysplasia. Identifiers: Orphanet 93420, MedGen C5681604, MONDO:0019685.
Thanatophoric dysplasia type 1 (TD1). Also called: Thanatophoric Dysplasia Type 1 (TD Type 1); LETHAL SHORT-LIMBED PLATYSPONDYLIC DWARFISM, SAN DIEGO TYPE; PLATYSPONDYLIC LETHAL SKELETAL DYSPLASIA, SAN DIEGO TYPE. Identifiers: Orphanet 1860, Orphanet 2655, MedGen C1868678, MONDO:0008546, OMIM 187600. Disease mechanism: gain of function.

Submissions (6):

Genomenon, Inc
Classification: Pathogenic for FGFR3-related chondrodysplasia. Last evaluated: 2026-06-23. Review status: criteria provided, single submitter. Criteria: Genomenon Sequence Variant Interpretation Standards - Updated. Collection method: curation. Allele origin: germline. Affected: yes.
Comment: FGFR3 p.Ter807CysextTer101 (c.2421A>T) is a stop-loss variant that results in a C-terminal protein extension. This variant has been observed in at least one proband with an FGFR3-related disorder (PMID:12210587;7647778). A de novo occurrence of this variant has been observed in at least one affected individual (PMID:7647778;12210587). It is absent or not present at a significant frequency in gnomAD. Other cDNA changes resulting in a similar C-terminal extension have been determined to be pathogenic. In conclusion, we classify FGFR3 p.Ter807CysextTer101 (c.2421A>T) as a pathogenic variant.

Variantyx, Inc.
Classification: Pathogenic for Thanatophoric dysplasia type 1. Last evaluated: 2025-08-29. Review status: criteria provided, single submitter. Criteria: Variantyx Assertion Criteria 2022. Collection method: clinical testing. Allele origin: de novo. Inheritance: Autosomal dominant inheritance. Affected: yes.
Comment: This is a stoploss variant in the FGFR3 gene (OMIM: 134934). Pathogenic variants in this gene have been associated with autosomal dominant thanatophoric dysplasia type I. This variant results in loss of the termination codon, leading to an elongated protein (PM4). This variant has been reported in several unrelated affected individuals (PMID: 7647778, 38253798, 10425034) (PS4) and is absent from control populations (PM2). Based on the current evidence, this variant is classified as pathogenic for autosomal dominant thanatophoric dysplasia type I.

PreventionGenetics, part of Exact Sciences
Classification: Pathogenic for FGFR3-related condition. Last evaluated: 2023-09-09. Review status: criteria provided, single submitter. Criteria: ACMG Guidelines, 2015. Collection method: clinical testing. Allele origin: germline.
Comment: The FGFR3 c.2421A>T variant is predicted to result in extension of the open reading frame (p.*807Cysext*101). This variant was reported in individuals with thanatophoric dysplasia (Patient 2 in Rousseau et al. 1995. PubMed ID: 7647778; Soo-Kyeong et al. 2018. PubMed ID: 30252581). This variant has not been reported in a large population database, indicating this variant is rare. In ClinVar, this variant has been interpreted as pathogenic. In addition, other nucleotide changes at c.2421 (c.241A>C and c.241A>G), resulting in a stop loss and protein extension, have been reported in patients with thanatophoric dysplasia (Passos-Bueno et al. 1999. PubMed ID: 10425034).This variant is interpreted as pathogenic.

Institute Of Reproduction And Development, Obstetrics and Gynecology Hospital, Fudan University
Classification: Pathogenic. Last evaluated: 2021-11-30. Review status: no assertion criteria provided. Collection method: research. Allele origin: germline. Affected: yes. Not counted in ClinVar's aggregate classification.

OMIM
Classification: Pathogenic for THANATOPHORIC DYSPLASIA, TYPE I. Last evaluated: 1996-04-01. Review status: no assertion criteria provided. Collection method: literature only. Allele origin: germline. Not counted in ClinVar's aggregate classification.

GeneReviews
No classification provided. Condition: Thanatophoric dysplasia type 1. Review status: no classification provided. Collection method: literature only. Allele origin: unknown. Not counted in ClinVar's aggregate classification.

Literature cited by the submitters: PubMed 17320202 (cited by Genomenon, Inc); PubMed 17507011 (cited by Genomenon, Inc); PubMed 10 (cited by Genomenon, Inc); PubMed 17509076 (cited by Genomenon, Inc); PubMed 37875969 (cited by Genomenon, Inc); PubMed 34367232 (cited by Genomenon, Inc); PubMed 33942288 (cited by Genomenon, Inc); PubMed 31476288 (cited by Genomenon, Inc); PubMed 31299979 (cited by Genomenon, Inc); PubMed 21671381 (cited by Genomenon, Inc); PubMed 30692697 (cited by Genomenon, Inc); PubMed 29593476 (cited by Genomenon, Inc); PubMed 28254233 (cited by Genomenon, Inc); PubMed 8723101 (cited by Genomenon, Inc); PubMed 12210587 (cited by Genomenon, Inc); PubMed 12368206 (cited by Genomenon, Inc); PubMed 18923003 (cited by Genomenon, Inc); PubMed 19215249 (cited by Genomenon, Inc); PubMed 24863959 (cited by Genomenon, Inc); PubMed 25614871 (cited by Genomenon, Inc); PubMed 39357670 (cited by Genomenon, Inc); PubMed 25728633 (cited by Genomenon, Inc); PubMed 8845844 (cited by Genomenon, Inc and OMIM); PubMed 30048571 (cited by Genomenon, Inc); PubMed 29542187 (cited by Genomenon, Inc); PubMed 16841094 (cited by Genomenon, Inc); PubMed 35793999 (cited by Genomenon, Inc); PubMed 34582081 (cited by Genomenon, Inc); PubMed 29068064 (cited by Genomenon, Inc); PubMed 9154000 (cited by Genomenon, Inc); PubMed 26003532 (cited by Genomenon, Inc); PubMed 27987249 (cited by Genomenon, Inc); PubMed 28249712 (cited by Genomenon, Inc); PubMed 9229114 (cited by Genomenon, Inc); PubMed 9076574 (cited by Genomenon, Inc); PubMed 19293680 (cited by Genomenon, Inc); PubMed 7573032 (cited by Genomenon, Inc); PubMed 14745970 (cited by Genomenon, Inc); PubMed 15769677 (cited by Genomenon, Inc); PubMed 9055906 (cited by Genomenon, Inc); PubMed 10425034 (cited by Genomenon, Inc and Variantyx, Inc.); PubMed 10696568 (cited by Genomenon, Inc); PubMed 11181569 (cited by Genomenon, Inc); PubMed 11241532 (cited by Genomenon, Inc); PubMed 12357475 (cited by Genomenon, Inc); PubMed 17630040 (cited by Genomenon, Inc); PubMed 19066716 (cited by Genomenon, Inc); PubMed 19449430 (cited by Genomenon, Inc); PubMed 19752524 (cited by Genomenon, Inc); PubMed 22414243 (cited by Genomenon, Inc); PubMed 24075385 (cited by Genomenon, Inc); PubMed 25671245 (cited by Genomenon, Inc); PubMed 25800480 (cited by Genomenon, Inc); PubMed 14534538 (cited by Genomenon, Inc); PubMed 17103447 (cited by Genomenon, Inc); PubMed 9133360 (cited by Genomenon, Inc); PubMed 26224133 (cited by Genomenon, Inc); PubMed 22045636 (cited by Genomenon, Inc); PubMed 7647778 (cited by 3 submitters); PubMed 38253798 (cited by Variantyx, Inc.); PubMed 20301540 (cited by GeneReviews); NCBI Bookshelf NBK1366 (cited by GeneReviews).